The following is an entry in ClinVar:

NM_000214.3(JAG1):c.894T>A (p.Asn298Lys)

Gene: JAG1 (jagged canonical Notch ligand 1; minus strand). Cytogenetic location: 20p12.2.
Variant type: single nucleotide variant.
Coding change: c.894T>A on transcript NM_000214.3 (MANE Select); coding-DNA position 894, T replaced by A.
Protein change: p.Asn298Lys; replaces asparagine 298 with lysine.
Molecular consequence: missense variant.
Genome position (GRCh38, 1-based): chr20:10,652,243, A>T on the plus strand (T>A on the coding strand, the complement: JAG1 is on the minus strand). VCF-style: chr20-10652243-A-T. GRCh37 (hg19) VCF-style: chr20-10632891-A-T.
Other names: short protein forms N298K.
Identifiers: ClinVar variation 3573399 (VCV003573399.2).

Conditions:
Arteriohepatic dysplasia. Also called: Alagille Syndrome. Identifiers: Orphanet 52, MedGen C0085280, MeSH D016738, MONDO:0007318.

Submission:

Gilbert/Spinner Lab, Children's Hospital of Philadelphia
No classification provided (evidence only). Condition: Alagille syndrome. Review status: no classification provided. Collection method: research. Allele origin: not applicable. Functional consequence: functionally_abnormal.
ClinVar note: "not provided" was previously submitted as the classification for the variant. However, the classification appeared to be based only on an observation of functional data so it was converted to no classification on 2025-07-30.